The following is an entry in ClinVar:

NM_014159.7(SETD2):c.6179C>T (p.Ser2060Leu)

Gene: SETD2 (SET domain containing 2, histone lysine methyltransferase; minus strand). Cytogenetic location: 3p21.31.
Variant type: single nucleotide variant.
Coding change: c.6179C>T on transcript NM_014159.7 (MANE Select); coding-DNA position 6179, C replaced by T.
Protein change: p.Ser2060Leu; replaces serine 2060 with leucine.
Molecular consequence: missense variant. On other transcripts: non-coding transcript variant (1).
Genome position (GRCh38, 1-based): chr3:47,062,277, G>A on the plus strand (C>T on the coding strand, the complement: SETD2 is on the minus strand). VCF-style: chr3-47062277-G-A. GRCh37 (hg19) VCF-style: chr3-47103767-G-A.
Other names: c.6047C>T, p.Ser2016Leu (NM_001349370.3); short protein forms S2016L, S2060L.
Identifiers: ClinVar variation 931690 (VCV000931690.4), dbSNP rs745410359, ClinGen allele CA2362752.
Genomic context (GRCh38, chr3:47,062,277, plus strand): 5'-GAGCTTCTTCGTTTCCTTTTCTCTTTATTTTGAGTTTGCTTGTCTGGGTCTCTCTCTCTT[G>A]ACCTATTAGGAGTCTTCGGGGCAGGTGTTTGATCTCTGAAGCCAACAGCATCCCTTCCTC-3'
Protein context (NP_054878.5, residues 2050-2070): QTPAPKTPNR[Ser2060Leu]RERDPDKQTQ

ClinVar aggregate classification (germline): Uncertain significance. Review status: criteria provided, multiple submitters, no conflicts (2 of 4 stars). 2 submissions from 2 submitters: Uncertain significance (2). Last evaluated 2024-05-23.

Conditions:
Luscan-Lumish syndrome. Identifiers: Orphanet 597738, MedGen C4085873, MONDO:0014791, OMIM 616831.

Allele frequency attached by ClinVar (database versions not stated): TOPMed below 0.00001; ExAC 0.00001; gnomAD exomes 0.00001.
gnomAD v4.1: 19 of 1,613,740 alleles (0.0012%); highest among the groups gnomAD compares: Non-Finnish European, 0.0014%; no homozygotes.

Submissions (2):

GeneDx
Classification: Uncertain significance. Last evaluated: 2024-05-23. Review status: criteria provided, single submitter. Criteria: GeneDx Variant Classification Process June 2021. Collection method: clinical testing. Allele origin: germline. Affected: yes.
Comment: In silico analysis supports that this missense variant has a deleterious effect on protein structure/function; This variant is associated with the following publications: (PMID: 32170002)

Centre for Mendelian Genomics, University Medical Centre Ljubljana
Classification: Uncertain significance for Luscan-Lumish syndrome. Last evaluated: 2019-10-28. Review status: criteria provided, single submitter. Criteria: ACMG Guidelines, 2015. Collection method: clinical testing. Allele origin: unknown. Affected: yes.
Comment: This variant was classified as: Uncertain significance. The available evidence on this variant's pathogenicity is insufficient or conflicting. The following ACMG criteria were applied in classifying this variant: No criteria apply.